The following is an entry in ClinVar:

ClinVar aggregate classification (germline): Likely benign. Review status: criteria provided, multiple submitters, no conflicts (2 of 4 stars). 5 submissions from 5 submitters: Likely benign (5). Last evaluated 2026-03-12.

Conditions:
Cardiovascular phenotype. Identifiers: MedGen CN230736.
Arrhythmogenic right ventricular cardiomyopathy (ARVD). Also called: Arrhythmogenic cardiomyopathy; Cardiomyopathy, ARVC; Arrhythmogenic right ventricular dysplasia; Arrhythmogenic Right Ventricular Cardiomyopathy (ARVC). Identifiers: Orphanet 247, MedGen C0349788, MeSH D019571, MONDO:0016587. Disease mechanism: loss of function. Inheritance: Various modes of inheritance.
Cardiomyopathy (CMYO). Also called: Cardiomyopathies. Identifiers: Orphanet 167848, MedGen C0878544, MONDO:0004994, HP:0001638. Inheritance: Various modes of inheritance.
Arrhythmogenic right ventricular dysplasia 9 (ARVD9). Also called: Arrhythmogenic Right Ventricular Dysplasia/Cardiomyopathy 9; ARRHYTHMOGENIC RIGHT VENTRICULAR DYSPLASIA, FAMILIAL, 9. Identifiers: MedGen C1836906, MONDO:0012180, OMIM 609040.

Allele frequency attached by ClinVar (database versions not stated): ExAC 0.00001; gnomAD exomes 0.00001.
gnomAD v4.1: 9 of 1,613,998 alleles (0.00056%); highest among the groups gnomAD compares: South Asian, 0.0099%; no homozygotes.

Submissions (5):

Ambry Genetics
Classification: Likely benign for Cardiovascular phenotype. Last evaluated: 2026-03-12. Review status: criteria provided, single submitter. Criteria: Ambry Variant Classification Scheme 2023. Collection method: clinical testing. Allele origin: germline.

Labcorp Genetics (formerly Invitae), Labcorp
Classification: Likely benign for Arrhythmogenic right ventricular dysplasia 9. Last evaluated: 2025-02-05. Review status: criteria provided, single submitter. Criteria: Invitae Variant Classification Sherloc (09022015). Collection method: clinical testing. Allele origin: germline.

Women's Health and Genetics/Laboratory Corporation of America, LabCorp
Classification: Likely benign. Last evaluated: 2024-11-26. Review status: criteria provided, single submitter. Criteria: LabCorp Variant Classification Summary - May 2015. Collection method: clinical testing. Allele origin: germline.

All of Us Research Program, National Institutes of Health
Classification: Likely benign for Arrhythmogenic right ventricular cardiomyopathy. Last evaluated: 2023-10-30. Review status: criteria provided, single submitter. Criteria: ACMG Guidelines, 2015. Collection method: clinical testing. Allele origin: germline. Inheritance: Autosomal dominant inheritance. Observed: 1 variant allele, 1 heterozygote.
Comment: This study involves interpretation of variants in research participants for the purpose of population health screening. Participant phenotype was not available at the time of variant classification. Additional details can be found in publication PMID: 35346344, PMCID: PMC8962531

Color Diagnostics, LLC DBA Color Health
Classification: Likely benign for Cardiomyopathy. Last evaluated: 2018-11-30. Review status: criteria provided, single submitter. Criteria: ACMG Guidelines, 2015. Collection method: clinical testing. Allele origin: germline.

NM_001005242.3(PKP2):c.498C>T (p.Tyr166=)

Gene: PKP2 (plakophilin 2; minus strand). Cytogenetic location: 12p11.21.
Variant type: single nucleotide variant.
Coding change: c.498C>T on transcript NM_001005242.3 (MANE Select); coding-DNA position 498, C replaced by T.
Protein change: p.Tyr166=; no amino-acid change (tyrosine 166 retained).
Molecular consequence: synonymous variant.
Genome position (GRCh38, 1-based): chr12:32,878,382, G>A on the plus strand (C>T on the coding strand, the complement: PKP2 is on the minus strand). VCF-style: chr12-32878382-G-A. GRCh37 (hg19) VCF-style: chr12-33031316-G-A.
Other names: c.498C>T, p.Tyr166= (NM_004572.4).
Identifiers: ClinVar variation 922320 (VCV000922320.10), dbSNP rs772439804, ClinGen allele CA037707.